The following is an entry in ClinVar:

ClinVar aggregate classification (germline): Pathogenic. Review status: criteria provided, multiple submitters, no conflicts (2 of 4 stars). 3 submissions from 3 submitters: Pathogenic (2). 1 of the submissions does not count toward it. Last evaluated 2022-05-01.

Conditions:
Cornelia de Lange syndrome 1 (CDLS1). Also called: Brachmann de Lange syndrome; NIPBL-Related Cornelia de Lange Syndrome; TYPUS DEGENERATIVUS AMSTELODAMENSIS. Identifiers: Orphanet 199, MedGen C4551851, MONDO:0007387, OMIM 122470.

Submissions (3):

CeGaT Center for Human Genetics Tuebingen
Classification: Pathogenic. Last evaluated: 2022-05-01. Review status: criteria provided, single submitter. Criteria: CeGaT Center For Human Genetics Tuebingen Variant Classification Criteria Version 2. Collection method: clinical testing. Allele origin: germline. Affected: yes. Observed: 1 variant allele.
Comment: KMT2A: PVS1, PS2, PM2, PS4:Moderate

GeneDx
Classification: Pathogenic. Last evaluated: 2021-11-05. Review status: criteria provided, single submitter. Criteria: GeneDx Variant Classification Process June 2021. Collection method: clinical testing. Allele origin: germline. Affected: yes.
Comment: Nonsense variant predicted to result in protein truncation or nonsense mediated decay in a gene for which loss-of-function is a known mechanism of disease; Not observed at significant frequency in large population cohorts (Lek et al., 2016); This variant is associated with the following publications: (PMID: 25574841)

Lupski Lab, Baylor-Hopkins CMG, Baylor College of Medicine
Classification: Pathogenic for Cornelia de Lange Syndrome 1 (CdLS1). Last evaluated: 2014-12-02. Review status: no assertion criteria provided. Collection method: research. Allele origin: de novo. Affected: yes. Observed: 1 heterozygote. Not counted in ClinVar's aggregate classification.

Literature cited by the submitters: PubMed 25574841 (cited by Lupski Lab, Baylor-Hopkins CMG, Baylor College of Medicine).

NM_001197104.2(KMT2A):c.2233C>T (p.Arg745Ter)

Gene: KMT2A (lysine methyltransferase 2A; plus strand). Cytogenetic location: 11q23.3.
Variant type: single nucleotide variant.
Coding change: c.2233C>T on transcript NM_001197104.2 (MANE Select); coding-DNA position 2233, C replaced by T.
Protein change: p.Arg745Ter; replaces arginine 745 with a stop codon.
Molecular consequence: nonsense.
Genome position (GRCh38, 1-based): chr11:118,473,392, C>T. VCF-style: chr11-118473392-C-T. GRCh37 (hg19) VCF-style: chr11-118344107-C-T.
Other names: c.2233C>T, p.Arg745Ter (NM_005933.4); short protein forms R745*.
Identifiers: ClinVar variation 180201 (VCV000180201.35), dbSNP rs727503777, ClinGen allele CA333602.